The following is an entry in ClinVar:

NC_000001.10:g.(?_61548464)_(67861772_?)dup

Genes: MIR101-1 (microRNA 101-1; minus strand), ITGB3BP (integrin subunit beta 3 binding protein; minus strand), SGIP1 (SH3GL interacting endocytic adaptor 1; plus strand), USP1 (ubiquitin specific peptidase 1; plus strand), PATJ (PATJ crumbs cell polarity complex component; plus strand) and 29 more. Cytogenetic location: 1p31.3.
Variant type: Duplication.
Identifiers: ClinVar variation 3247793 (VCV003247793.1).

ClinVar aggregate classification (germline): Uncertain significance (1 of 4 stars; one submission).

Conditions:
PGM1-congenital disorder of glycosylation. Also called: Congenital disorder of glycosylation type 1t; PHOSPHOGLUCOMUTASE 1 DEFICIENCY; PGM1 DEFICIENCY; GLYCOGEN STORAGE DISEASE XIV; GSD XIV; CDG It. Identifiers: Orphanet 319646, MedGen C2752015, MONDO:0013968, OMIM 614921.

Submission:

Labcorp Genetics (formerly Invitae), Labcorp
Classification: Uncertain significance for PGM1-congenital disorder of glycosylation. Last evaluated: 2023-07-07. Review status: criteria provided, single submitter. Criteria: Invitae Variant Classification Sherloc (09022015). Collection method: clinical testing. Allele origin: unknown.
Comment: In summary, the available evidence is currently insufficient to determine the role of this variant in disease. Therefore, it has been classified as a Variant of Uncertain Significance. This variant has not been reported in the literature in individuals affected with PGM1-related conditions. A copy number gain of the genomic region encompassing the full coding sequence of the PGM1 gene has been identified. The boundaries of this event are unknown as they extend beyond the assayed region for this gene and therefore may encompass additional genes. As the precise location of this event is unknown, it may be in tandem or it may be located elsewhere in the genome.